The following is an entry in ClinVar:

NM_018089.3(ANKZF1):c.820-1G>T

Gene: ANKZF1 (ankyrin repeat and zinc finger peptidyl tRNA hydrolase 1; plus strand). Cytogenetic location: 2q35.
Variant type: single nucleotide variant.
Coding change: c.820-1G>T on transcript NM_018089.3 (MANE Select); the canonical splice acceptor site of the intron before coding-DNA position 820, G replaced by T.
Molecular consequence: splice acceptor variant.
Genome position (GRCh38, 1-based): chr2:219,233,714, G>T. VCF-style: chr2-219233714-G-T. GRCh37 (hg19) VCF-style: chr2-220098436-G-T.
Other names: c.820-1G>T (NM_001042410.2); c.190-1G>T (NM_001282792.2).
Identifiers: ClinVar variation 2703364 (VCV002703364.3), dbSNP rs2544920378, ClinGen allele CA350676795.

ClinVar aggregate classification (germline): Uncertain significance (1 of 4 stars; one submission).

Allele frequency attached by ClinVar (database versions not stated): gnomAD exomes below 0.00001.
gnomAD v4.1: 1 of 1,610,356 alleles (0.000062%); highest among the groups gnomAD compares: Non-Finnish European, 0.000085%; no homozygotes.

Submission:

Labcorp Genetics (formerly Invitae), Labcorp
Classification: Uncertain significance. Last evaluated: 2023-12-15. Review status: criteria provided, single submitter. Criteria: Invitae Variant Classification Sherloc (09022015). Collection method: clinical testing. Allele origin: germline.
Comment: This sequence change affects an acceptor splice site in intron 7 of the ANKZF1 gene. It is expected to disrupt RNA splicing. Variants that disrupt the donor or acceptor splice site typically lead to a loss of protein function (PMID: 16199547), however the current clinical and genetic evidence is not sufficient to establish whether loss-of-function variants in ANKZF1 cause disease. This variant is not present in population databases (gnomAD no frequency). This variant has not been reported in the literature in individuals affected with ANKZF1-related conditions. Algorithms developed to predict the effect of sequence changes on RNA splicing suggest that this variant may disrupt the consensus splice site. In summary, the available evidence is currently insufficient to determine the role of this variant in disease. Therefore, it has been classified as a Variant of Uncertain Significance.

Literature cited by the submitters: PubMed 16199547.